The following is an entry in ClinVar:

ClinVar aggregate classification (germline): Uncertain significance (1 of 4 stars; one submission).

gnomAD v4.1: 3 of 1,503,064 alleles (0.0002%); highest among the groups gnomAD compares: Non-Finnish European, 0.00027%; no homozygotes.

Submission:

Mayo Clinic Laboratories, Mayo Clinic
Classification: Uncertain significance. Last evaluated: 2024-01-08. Review status: criteria provided, single submitter. Criteria: ACMG Guidelines, 2015. Collection method: clinical testing. Allele origin: germline. Observed: 1 variant allele.
Comment: BP4, PM2

NM_000878.5(IL2RB):c.1409A>C (p.Gln470Pro)

Gene: IL2RB (interleukin 2 receptor subunit beta; minus strand). Cytogenetic location: 22q12.3.
Variant type: single nucleotide variant.
Coding change: c.1409A>C on transcript NM_000878.5 (MANE Select); coding-DNA position 1409, A replaced by C.
Protein change: p.Gln470Pro; replaces glutamine 470 with proline.
Molecular consequence: missense variant.
Genome position (GRCh38, 1-based): chr22:37,128,343, T>G on the plus strand (A>C on the coding strand, the complement: IL2RB is on the minus strand). VCF-style: chr22-37128343-T-G. GRCh37 (hg19) VCF-style: chr22-37524383-T-G.
Other names: p.Gln470Pro; c.1409A>C, p.Gln470Pro (NM_001346222.1, NM_001346223.2); short protein forms Q470P.
Identifiers: ClinVar variation 3380718 (VCV003380718.1).